The following is an entry in ClinVar:

ClinVar aggregate classification (germline): Likely pathogenic (3 of 4 stars; one submission).

Conditions:
Phenylketonuria (PKU). Also called: FOLLING DISEASE; Phenylketonuria (PKU); OLIGOPHRENIA PHENYLPYRUVICA; Phenylketonurias. Identifiers: Orphanet 716, MedGen C0031485, MONDO:0009861, OMIM 261600. Disease mechanism: loss of function.

Submission:

ClinGen PAH Variant Curation Expert Panel
Classification: Likely pathogenic for Phenylketonuria. Last evaluated: 2024-09-06. Review status: reviewed by expert panel. Criteria: ClinGen PAH ACMG Specifications v1. Collection method: curation. Allele origin: germline. Inheritance: Autosomal recessive inheritance.
Comment: The c.1315+5G>C variant in PAH is an intronic variant in intron 12 that is predicted by multiple splicing tools to alter splicing (PP3) and is absent from gnomAD v2.1.1 (PM2_Supporting). It has been observed in at least 2 moderate or classic PKU patients with BH4 deficiency excluded (PMID: 30747360, PMID: 33980295; PP4_moderate), including 1 case who harbored it in trans (parental genetic analysis reportedly done for all cases) with the known pathogenic variant p.Arg252Gln (ClinVar ID 102824) (PM3_Moderate). In summary, this variant meets criteria to be classified as Likely Pathogenic based on the ACMG/AMP criteria applied, as specified by the ClinGen Phenylketonuria Variant Curation Expert Panel (Specifications Version 2.0): PM2_Supporting, PM3_Moderate, PP4_Moderate, PP3_Supporting.

NM_000277.3(PAH):c.1315+5G>C

Gene: PAH (phenylalanine hydroxylase; minus strand). Cytogenetic location: 12q23.2.
Variant type: single nucleotide variant.
Coding change: c.1315+5G>C on transcript NM_000277.3 (MANE Select); 5 bases into the intron after coding-DNA position 1315, G replaced by C.
Molecular consequence: intron variant.
Genome position (GRCh38, 1-based): chr12:102,840,395, C>G on the plus strand (G>C on the coding strand, the complement: PAH is on the minus strand). VCF-style: chr12-102840395-C-G. GRCh37 (hg19) VCF-style: chr12-103234173-C-G.
Other names: c.1315+5G>C (NM_001354304.2).
Identifiers: ClinVar variation 872836 (VCV000872836.2), dbSNP rs1874533541, ClinGen allele CA16020995.